The following is an entry in ClinVar:

ClinVar aggregate classification (germline): Pathogenic. Review status: criteria provided, multiple submitters, no conflicts (2 of 4 stars). 2 submissions from 2 submitters: Pathogenic (2). Last evaluated 2021-04-07.

Conditions:
Developmental and epileptic encephalopathy, 2 (DEE2). Also called: CDKL5 deficiency disorder; INFANTILE SPASM SYNDROME, X-LINKED 2. Identifiers: Orphanet 1934, Orphanet 3451, Orphanet 505652, MedGen C4750718, MONDO:0010396, OMIM 300672.
Angelman syndrome-like. Identifiers: MedGen CN128785.

Submissions (2):

Institute of Human Genetics, University of Leipzig Medical Center
Classification: Pathogenic for Developmental and epileptic encephalopathy, 2. Last evaluated: 2021-04-07. Review status: criteria provided, single submitter. Criteria: ACMG Guidelines, 2015. Collection method: clinical testing. Allele origin: de novo. Affected: yes.
Comment: Criteria applied: PVS1,PS4_SUP,PM2

Labcorp Genetics (formerly Invitae), Labcorp
Classification: Pathogenic for Developmental and epileptic encephalopathy, 2; Angelman syndrome-like. Last evaluated: 2020-02-22. Review status: criteria provided, single submitter. Criteria: Invitae Variant Classification Sherloc (09022015). Collection method: clinical testing. Allele origin: germline.
Comment: For these reasons, this variant has been classified as Pathogenic. Loss-of-function variants in CDKL5 are known to be pathogenic (PMID: 22872100). This variant has not been reported in the literature in individuals with CDKL5-related conditions. This variant is not present in population databases (ExAC no frequency). This sequence change creates a premature translational stop signal (p.Asn293Lysfs*33) in the CDKL5 gene. It is expected to result in an absent or disrupted protein product.

Literature cited by the submitters: PubMed 22872100 (cited by Labcorp Genetics (formerly Invitae), Labcorp).

NM_001323289.2(CDKL5):c.878dup (p.Asn293fs)

Gene: CDKL5 (cyclin dependent kinase like 5; plus strand). Cytogenetic location: Xp22.13.
Variant type: Duplication.
Coding change: c.878dup on transcript NM_001323289.2 (MANE Select); coding-DNA position 878, one base duplicated (A; older notation c.878dupA).
Protein change: p.Asn293fs; shifts the reading frame from asparagine 293.
Molecular consequence: frameshift variant.
Genome position (GRCh38, 1-based): chrX:18,598,514, A duplicated; the last of 2 consecutive A bases (chrX:18,598,513-18,598,514); duplicating either gives the same sequence. VCF-style (leftmost placement, unchanged base first): chrX-18598512-G-GA. GRCh37 (hg19) VCF-style: chrX-18616632-G-GA.
Other names: c.878dup (NM_001037343.1); c.878dup, p.Asn293fs (NM_001037343.2, NM_003159.3); short protein forms N293fs.
Identifiers: ClinVar variation 970805 (VCV000970805.10), dbSNP rs1926080187, ClinGen allele CA1139667240.